The following is an entry in ClinVar:

NM_016239.4(MYO15A):c.8944C>T (p.Gln2982Ter)

Gene: MYO15A (myosin XVA; plus strand). Cytogenetic location: 17p11.2.
Variant type: single nucleotide variant.
Coding change: c.8944C>T on transcript NM_016239.4 (MANE Select); coding-DNA position 8944, C replaced by T.
Protein change: p.Gln2982Ter; replaces glutamine 2982 with a stop codon.
Molecular consequence: nonsense.
Genome position (GRCh38, 1-based): chr17:18,157,877, C>T. VCF-style: chr17-18157877-C-T. GRCh37 (hg19) VCF-style: chr17-18061191-C-T.
Other names: short protein forms Q2982*.
Identifiers: ClinVar variation 1301973 (VCV001301973.6), dbSNP rs774312110, ClinGen allele CA288415158.

ClinVar aggregate classification (germline): Pathogenic/Likely pathogenic. Review status: criteria provided, multiple submitters, no conflicts (2 of 4 stars). 3 submissions from 3 submitters: Pathogenic (2); Likely pathogenic (1). Last evaluated 2024-09-25.

Conditions:
Autosomal recessive nonsyndromic hearing loss 3. Also called: NEUROSENSORY NONSYNDROMIC RECESSIVE DEAFNESS 3. Identifiers: Orphanet 90636, MedGen C1838263, MONDO:0010860, OMIM 600316.

Allele frequency attached by ClinVar (database versions not stated): TOPMed below 0.00001.
gnomAD v4.1: 34 of 1,268,746 alleles (0.0027%); highest among the groups gnomAD compares: Non-Finnish European, 0.0034%; no homozygotes.

Submissions (3):

Labcorp Genetics (formerly Invitae), Labcorp
Classification: Pathogenic. Last evaluated: 2024-09-25. Review status: criteria provided, single submitter. Criteria: Invitae Variant Classification Sherloc (09022015). Collection method: clinical testing. Allele origin: germline.
Comment: This sequence change creates a premature translational stop signal (p.Gln2982*) in the MYO15A gene. It is expected to result in an absent or disrupted protein product. Loss-of-function variants in MYO15A are known to be pathogenic (PMID: 17546645). This variant is not present in population databases (gnomAD no frequency). This premature translational stop signal has been observed in individual(s) with deafness (PMID: 36597107). ClinVar contains an entry for this variant (Variation ID: 1301973). For these reasons, this variant has been classified as Pathogenic.

Juno Genomics, Hangzhou Juno Genomics, Inc
Classification: Pathogenic for Autosomal recessive nonsyndromic hearing loss 3. Review status: criteria provided, single submitter. Criteria: ACMG Guidelines, 2015. Collection method: clinical testing. Allele origin: germline.
Comment: Absent from controls (or at extremely low frequency if recessive) in Genome Aggregation Database.;Null variant in a gene where loss of function (LOF) is a known mechanism of disease.;For recessive disorders, detected in trans with a pathogenic variant.

Molecular Diagnosis Center for Deafness
Classification: Likely pathogenic for Autosomal recessive nonsyndromic hearing loss 3. Review status: criteria provided, single submitter. Criteria: ClinGen HL ACMG Specifications v1. Collection method: clinical testing. Allele origin: maternal. Observed: 1 variant allele.

Literature cited by the submitters: PubMed 17546645 (cited by Labcorp Genetics (formerly Invitae), Labcorp); PubMed 36597107 (cited by Labcorp Genetics (formerly Invitae), Labcorp).